The following is an entry in ClinVar:

NM_006502.3(POLH):c.467C>T (p.Thr156Met)

Gene: POLH (DNA polymerase eta; plus strand). Cytogenetic location: 6p21.1.
Variant type: single nucleotide variant.
Coding change: c.467C>T on transcript NM_006502.3 (MANE Select); coding-DNA position 467, C replaced by T.
Protein change: p.Thr156Met; replaces threonine 156 with methionine.
Molecular consequence: missense variant. On other transcripts: intron variant (1).
Genome position (GRCh38, 1-based): chr6:43,587,466, C>T. VCF-style: chr6-43587466-C-T. GRCh37 (hg19) VCF-style: chr6-43555203-C-T.
Other names: c.467C>T, p.Thr156Met (NM_001291970.2); c.118+4325C>T (NM_001291969.2); short protein forms T156M.
Identifiers: ClinVar variation 1692933 (VCV001692933.4), dbSNP rs139742736, ClinGen allele CA3826977.

ClinVar aggregate classification (germline): Uncertain significance. Review status: criteria provided, multiple submitters, no conflicts (2 of 4 stars). 2 submissions from 2 submitters: Uncertain significance (2). Last evaluated 2021-09-16.

Conditions:
Xeroderma pigmentosum (XP). Identifiers: Orphanet 910, MedGen C0043346, MONDO:0019600.
Inborn genetic diseases. Identifiers: MedGen C0950123, MeSH D030342.

Allele frequency attached by ClinVar (database versions not stated): gnomAD 0.00002 and 0.00003; ESP Exome Variant Server 0.00008; gnomAD exomes 0.00008 and 0.00009; ExAC 0.00010; TOPMed 0.00011; 1000 Genomes Project 30x 0.00016; 1000 Genomes Project 0.00020.
gnomAD v4.1: 130 of 1,613,438 alleles (0.0081%); highest among the groups gnomAD compares: East Asian, 0.1%; no homozygotes.

Submissions (2):

Ambry Genetics
Classification: Uncertain significance for Inborn genetic diseases. Last evaluated: 2021-09-16. Review status: criteria provided, single submitter. Criteria: Ambry Variant Classification Scheme 2023. Collection method: clinical testing. Allele origin: germline.

Sema4
Classification: Uncertain significance for Xeroderma pigmentosum. Last evaluated: 2021-09-16. Review status: criteria provided, single submitter. Criteria: Sema4 Curation Guidelines. Collection method: curation. Allele origin: germline.
Comment: The POLH c.467C>T (p.T156M) variant has not been reported in literature to our knowledge. This variant was observed in 19/19952 chromosomes in the East Asian population in the large and broad cohorts of the Genome Aggregation Database (PMID: 32461654). This variant has not been reported in ClinVar. In silico tools suggest the impact of the variant on protein function is benign, though these predictions have not been confirmed by functional studies The overall evidence is insufficient to meet ACMG/AMP criteria for classifying it as benign or pathogenic. In summary, the clinical significance of this variant is currently uncertain.